The following is an entry in ClinVar:

ClinVar aggregate classification (germline): Uncertain significance (1 of 4 stars; one submission).

Conditions:
Inborn genetic diseases. Identifiers: MedGen C0950123, MeSH D030342.

Submission:

Ambry Genetics
Classification: Uncertain significance for Inborn genetic diseases. Last evaluated: 2024-11-21. Review status: criteria provided, single submitter. Criteria: Ambry Variant Classification Scheme 2023. Collection method: clinical testing. Allele origin: germline.
Comment: The p.A105T variant (also known as c.313G>A), located in coding exon 4 of the BUB1B gene, results from a G to A substitution at nucleotide position 313. The alanine at codon 105 is replaced by threonine, an amino acid with similar properties. This amino acid position is conserved. In addition, this alteration is predicted to be deleterious by in silico analysis. Based on the available evidence, the clinical significance of this variant remains unclear.

NM_001211.6(BUB1B):c.313G>A (p.Ala105Thr)

Gene: BUB1B (BUB1 mitotic checkpoint serine/threonine kinase B; plus strand). Cytogenetic location: 15q15.1.
Variant type: single nucleotide variant.
Coding change: c.313G>A on transcript NM_001211.6 (MANE Select); coding-DNA position 313, G replaced by A.
Protein change: p.Ala105Thr; replaces alanine 105 with threonine.
Molecular consequence: missense variant.
Genome position (GRCh38, 1-based): chr15:40,170,610, G>A. VCF-style: chr15-40170610-G-A. GRCh37 (hg19) VCF-style: chr15-40462811-G-A.
Other names: short protein forms A105T.
Identifiers: ClinVar variation 3483240 (VCV003483240.1).